The following is an entry in ClinVar:

ClinVar aggregate classification (germline): Conflicting classifications of pathogenicity. Review status: criteria provided, conflicting classifications (1 of 4 stars). 2 submissions from 2 submitters: Likely pathogenic (1); Uncertain significance (1). Last evaluated 2025-08-28.

Conditions:
Cataract 1 multiple types. Also called: CATARACT, DUFFY-LINKED; CATARACT 1, MULTIPLE TYPES, WITH OR WITHOUT MICROCORNEA; CATARACT 1, NUCLEAR PROGRESSIVE; CATARACT 1 WITH MICROCORNEA; CATARACT 1, POSTERIOR SUBCAPSULAR, WITH MICROCORNEA; CATARACT 1, STELLATE NUCLEAR, WITH MICROCORNEA. Identifiers: Orphanet 1377, MedGen C1861828, MONDO:0007285, OMIM 116200.

Submissions (2):

Dasa
Classification: Likely pathogenic. Last evaluated: 2025-08-28. Review status: criteria provided, single submitter. Criteria: DASA Assertion Criteria. Collection method: clinical testing. Allele origin: germline.
Comment: NM_005267.5(GJA8):c.590C>T (p.Ser197Phe) is a missense variant that results in the substitution of serine with phenylalanine. This variant has been recurrently observed in individuals with GJA8-related disorders (PMID: 34059112; PMID: 40428427). This variant has been reported as a de novo occurrence in an affected individual (PMID: 34059112). Also, this variant is absent from population databases. Computational evidence supports a deleterious effect. Based on the currently available evidence, this variant is classified as likely pathogenic.

Dept. Genetics and Cancer, Menzies Institute for Medical Research, University of Tasmania
Classification: Uncertain significance for Cataract 1 multiple types. Last evaluated: 2023-01-21. Review status: criteria provided, single submitter. Criteria: ACMG Guidelines, 2015. Collection method: curation. Allele origin: germline. Affected: yes.
Comment: Variant identified and curated during a GJA8 specific review of the literature in relation to pediatric or congenital cataract. ACMG-AMP criteria applied: PM2(Supporting), PP3. Original variant report: PMID:34059112. Additional phenotype/s reported in these individual/s are: Congenital heart disease. Gene review and curation guidelines are outlined in: DOI 10.1080/17469899.2023.2160320

Literature cited by the submitters: PubMed 34059112 (cited by Dasa and Dept. Genetics and Cancer, Menzies Institute for Medical Research, University of Tasmania); PubMed 40428427 (cited by Dasa).

NM_005267.5(GJA8):c.590C>T (p.Ser197Phe)

Gene: GJA8 (gap junction protein alpha 8; plus strand). Cytogenetic location: 1q21.2.
Variant type: single nucleotide variant.
Coding change: c.590C>T on transcript NM_005267.5 (MANE Select); coding-DNA position 590, C replaced by T.
Protein change: p.Ser197Phe; replaces serine 197 with phenylalanine.
Molecular consequence: missense variant.
Genome position (GRCh38, 1-based): chr1:147,908,545, C>T. VCF-style: chr1-147908545-C-T. GRCh37 (hg19) VCF-style: chr1-147380672-C-T.
Other names: short protein forms S197F.
Identifiers: ClinVar variation 3253667 (VCV003253667.3), dbSNP rs2524891831.
Genomic context (GRCh38, chr1:147,908,545, plus strand): 5'-TCCTGCCTCTGTACCGCTGCAGCCGGTGGCCCTGCCCCAATGTGGTGGACTGCTTCGTGT[C>T]CCGGCCCACGGAGAAAACCATCTTCATCCTGTTCATGTTGTCTGTGGCCTCTGTGTCCCT-3'
Protein context (NP_005258.2, residues 187-207): PCPNVVDCFV[Ser197Phe]RPTEKTIFIL